The following is an entry in ClinVar:

NM_001130438.3(SPTAN1):c.5415G>A (p.Gln1805=)

Gene: SPTAN1 (spectrin alpha, non-erythrocytic 1; plus strand). Cytogenetic location: 9q34.11.
Variant type: single nucleotide variant.
Coding change: c.5415G>A on transcript NM_001130438.3 (MANE Select); coding-DNA position 5415, G replaced by A.
Protein change: p.Gln1805=; no amino-acid change (glutamine 1805 retained).
Molecular consequence: synonymous variant.
Genome position (GRCh38, 1-based): chr9:128,617,697, G>A. VCF-style: chr9-128617697-G-A. GRCh37 (hg19) VCF-style: chr9-131379976-G-A.
Other names: p.Q1805Q:CAG>CAA; c.5340G>A, p.Gln1780= (NM_001195532.2); c.5415G>A, p.Gln1805= (NM_001363759.2); c.5355G>A, p.Gln1785= (NM_001363765.2); c.5400G>A, p.Gln1800= (NM_003127.4).
Identifiers: ClinVar variation 139298 (VCV000139298.19), dbSNP rs142964132, ClinGen allele CA293743.

ClinVar aggregate classification (germline): Benign/Likely benign. Review status: criteria provided, multiple submitters, no conflicts (2 of 4 stars). 4 submissions from 4 submitters: Benign (3); Likely benign (1). Last evaluated 2026-01-12.

Conditions:
Early-infantile DEE. Also called: Early infantile epileptic encephalopathy; Ohtahara syndrome; Early infantile epileptic encephalopathy with suppression bursts. Identifiers: Orphanet 1934, MedGen C0393706, MONDO:0800491.
Inborn genetic diseases. Identifiers: MedGen C0950123, MeSH D030342.
Developmental and epileptic encephalopathy, 5 (DEE5). Identifiers: Orphanet 3451, MedGen C3150731, MONDO:0013277, OMIM 613477.

Allele frequency attached by ClinVar (database versions not stated): ESP Exome Variant Server 0.00054; 1000 Genomes Project 0.00020; gnomAD 0.00035 and 0.00038; gnomAD exomes 0.00004 and 0.00008; ExAC 0.00012; 1000 Genomes Project 30x 0.00016; TOPMed 0.00041.

Submissions (4):

Labcorp Genetics (formerly Invitae), Labcorp
Classification: Benign for Early-infantile DEE. Last evaluated: 2026-01-12. Review status: criteria provided, single submitter. Criteria: Invitae Variant Classification Sherloc (09022015). Collection method: clinical testing. Allele origin: germline.

Genome-Nilou Lab
Classification: Benign for Developmental and epileptic encephalopathy, 5. Last evaluated: 2021-07-15. Review status: criteria provided, single submitter. Criteria: ACMG Guidelines, 2015. Collection method: clinical testing. Allele origin: germline. Affected: no.

Ambry Genetics
Classification: Likely benign for Inborn genetic diseases. Last evaluated: 2016-09-01. Review status: criteria provided, single submitter. Criteria: Ambry Variant Classification Scheme 2023. Collection method: clinical testing. Allele origin: germline.

GeneDx
Classification: Benign. Last evaluated: 2013-10-15. Review status: criteria provided, single submitter. Criteria: GeneDx Variant Classification (06012015). Collection method: clinical testing. Allele origin: germline. Affected: yes.
Comment: This variant is considered likely benign or benign based on one or more of the following criteria: it is a conservative change, it occurs at a poorly conserved position in the protein, it is predicted to be benign by multiple in silico algorithms, and/or has population frequency not consistent with disease.